The following is an entry in ClinVar:

ClinVar aggregate classification (germline): Uncertain significance (1 of 4 stars; one submission).

gnomAD v4.1: 1 of 1,614,192 alleles (0.000062%); highest among the groups gnomAD compares: African/African-American, 0.0013%; no homozygotes.

Submission:

Labcorp Genetics (formerly Invitae), Labcorp
Classification: Uncertain significance. Last evaluated: 2025-03-01. Review status: criteria provided, single submitter. Criteria: Invitae Variant Classification Sherloc (09022015). Collection method: clinical testing. Allele origin: germline.
Comment: This sequence change replaces serine, which is neutral and polar, with isoleucine, which is neutral and non-polar, at codon 1156 of the TCF20 protein (p.Ser1156Ile). This variant is not present in population databases (gnomAD no frequency). This variant has not been reported in the literature in individuals affected with TCF20-related conditions. An algorithm developed to predict the effect of missense changes on protein structure and function (PolyPhen-2) suggests that this variant is likely to be tolerated. In summary, the available evidence is currently insufficient to determine the role of this variant in disease. Therefore, it has been classified as a Variant of Uncertain Significance.

NM_001378418.1(TCF20):c.3467G>T (p.Ser1156Ile)

Gene: TCF20 (transcription factor 20; minus strand). Cytogenetic location: 22q13.2.
Variant type: single nucleotide variant.
Coding change: c.3467G>T on transcript NM_001378418.1 (MANE Select); coding-DNA position 3467, G replaced by T.
Protein change: p.Ser1156Ile; replaces serine 1156 with isoleucine.
Molecular consequence: missense variant.
Genome position (GRCh38, 1-based): chr22:42,211,839, C>A on the plus strand (G>T on the coding strand, the complement: TCF20 is on the minus strand). VCF-style: chr22-42211839-C-A. GRCh37 (hg19) VCF-style: chr22-42607845-C-A.
Other names: c.3467G>T, p.Ser1156Ile (NM_005650.4, NM_181492.3); short protein forms S1156I.
Identifiers: ClinVar variation 3711073 (VCV003711073.2).